The following is an entry in ClinVar:

NM_001139.3(ALOX12B):c.1394G>T (p.Gly465Val)

Gene: ALOX12B (arachidonate 12-lipoxygenase, 12R type; minus strand). Cytogenetic location: 17p13.1.
Variant type: single nucleotide variant.
Coding change: c.1394G>T on transcript NM_001139.3 (MANE Select); coding-DNA position 1394, G replaced by T.
Protein change: p.Gly465Val; replaces glycine 465 with valine.
Molecular consequence: missense variant.
Genome position (GRCh38, 1-based): chr17:8,076,313, C>A on the plus strand (G>T on the coding strand, the complement: ALOX12B is on the minus strand). VCF-style: chr17-8076313-C-A. GRCh37 (hg19) VCF-style: chr17-7979631-C-A.
Other names: c.1394G>T, p.Gly465Val (LRG_1264t1); short protein forms G465V.
Identifiers: ClinVar variation 325880 (VCV000325880.17), dbSNP rs145344421, ClinGen allele CA8367313.

ClinVar aggregate classification (germline): Conflicting classifications of pathogenicity. Review status: criteria provided, conflicting classifications (1 of 4 stars). 4 submissions from 4 submitters: Uncertain significance (1); Likely benign (2). 1 of the submissions does not count toward it. Last evaluated 2026-01-17.

Conditions:
ALOX12B-related disorder. Also called: ALOX12B-related condition.
Autosomal recessive congenital ichthyosis 2 (ARCI2). Identifiers: Orphanet 281122, Orphanet 79394, MedGen C3888093, MONDO:0009439, OMIM 242100.

Allele frequency attached by ClinVar (database versions not stated): 1000 Genomes Project 30x 0.00031; 1000 Genomes Project 0.00040; TOPMed 0.00098; ESP Exome Variant Server 0.00146; ExAC 0.00228; gnomAD 0.00170; gnomAD exomes 0.00178 and 0.00179.

Submissions (4):

Labcorp Genetics (formerly Invitae), Labcorp
Classification: Likely benign. Last evaluated: 2026-01-17. Review status: criteria provided, single submitter. Criteria: Invitae Variant Classification Sherloc (09022015). Collection method: clinical testing. Allele origin: germline.

Blueprint Genetics
Classification: Likely benign. Last evaluated: 2024-11-25. Review status: criteria provided, single submitter. Criteria: ACMG Guidelines, 2015. Collection method: clinical testing. Allele origin: germline.

Illumina Laboratory Services, Illumina
Classification: Uncertain significance for Autosomal recessive congenital ichthyosis 2. Last evaluated: 2018-01-13. Review status: criteria provided, single submitter. Criteria: ICSL Variant Classification Criteria 13 December 2019. Collection method: clinical testing. Allele origin: germline.

PreventionGenetics, part of Exact Sciences
Classification: Likely benign for ALOX12B-related condition. Last evaluated: 2020-03-23. Review status: no assertion criteria provided. Collection method: clinical testing. Allele origin: germline. Not counted in ClinVar's aggregate classification.
Comment: This variant is classified as likely benign based on ACMG/AMP sequence variant interpretation guidelines (Richards et al. 2015 PMID: 25741868, with internal and published modifications).